The following is an entry in ClinVar:

NM_001006630.2(CHRM2):c.473C>T (p.Ala158Val)

Genes: CHRM2 (cholinergic receptor muscarinic 2; plus strand), LOC349160 (uncharacterized LOC349160; minus strand). Cytogenetic location: 7q33.
Variant type: single nucleotide variant.
Coding change: c.473C>T on transcript NM_001006630.2 (MANE Select); coding-DNA position 473, C replaced by T.
Protein change: p.Ala158Val; replaces alanine 158 with valine.
Molecular consequence: missense variant.
Genome position (GRCh38, 1-based): chr7:137,015,338, C>T. VCF-style: chr7-137015338-C-T. GRCh37 (hg19) VCF-style: chr7-136700085-C-T.
Other names: c.473C>T, p.Ala158Val (NM_000739.3, NM_001006626.3, NM_001006627.3 and 6 more transcripts); short protein forms A158V.
Identifiers: ClinVar variation 3603337 (VCV003603337.2).

ClinVar aggregate classification (germline): Uncertain significance (1 of 4 stars; one submission).

Submission:

Labcorp Genetics (formerly Invitae), Labcorp
Classification: Uncertain significance. Last evaluated: 2024-10-27. Review status: criteria provided, single submitter. Criteria: Invitae Variant Classification Sherloc (09022015). Collection method: clinical testing. Allele origin: germline.
Comment: This sequence change replaces alanine, which is neutral and non-polar, with valine, which is neutral and non-polar, at codon 158 of the CHRM2 protein (p.Ala158Val). This variant is present in population databases (no rsID available, gnomAD 0.0009%). This variant has not been reported in the literature in individuals affected with CHRM2-related conditions. An algorithm developed to predict the effect of missense changes on protein structure and function (PolyPhen-2) suggests that this variant is likely to be disruptive. In summary, the available evidence is currently insufficient to determine the role of this variant in disease. Therefore, it has been classified as a Variant of Uncertain Significance.